The following is an entry in ClinVar:

ClinVar aggregate classification (germline): Benign/Likely benign. Review status: criteria provided, multiple submitters, no conflicts (2 of 4 stars). 4 submissions from 4 submitters: Benign (1); Likely benign (2). 1 of the submissions does not count toward it. Last evaluated 2025-10-03.

Conditions:
Isolated Nonsyndromic Congenital Heart Disease.
JAG1-related disorder. Also called: JAG1-related disorders; JAG1-related condition.

Allele frequency attached by ClinVar (database versions not stated): gnomAD 0.00027 and 0.00029; ExAC 0.00033; gnomAD exomes 0.00033; TOPMed 0.00036; ESP Exome Variant Server 0.00062.
gnomAD v4.1: 813 of 1,613,008 alleles (0.05%); highest among the groups gnomAD compares: Non-Finnish European, 0.062%; no homozygotes.

Submissions (4):

Mayo Clinic Laboratories, Mayo Clinic
Classification: Likely benign. Last evaluated: 2025-10-03. Review status: criteria provided, single submitter. Criteria: ACMG Guidelines, 2015. Collection method: clinical testing. Allele origin: germline. Observed: 1 variant allele.
Comment: BP4, BP7

Blueprint Genetics
Classification: Likely benign. Last evaluated: 2024-09-23. Review status: criteria provided, single submitter. Criteria: ACMG Guidelines, 2015. Collection method: clinical testing. Allele origin: germline.

Illumina Laboratory Services, Illumina
Classification: Benign for Isolated Nonsyndromic Congenital Heart Disease. Last evaluated: 2018-01-12. Review status: criteria provided, single submitter. Criteria: ICSL Variant Classification Criteria 13 December 2019. Collection method: clinical testing. Allele origin: germline.
Comment: This variant was observed in the ICSL laboratory as part of a predisposition screen in an ostensibly healthy population. It had not been previously curated by ICSL or reported in the Human Gene Mutation Database (HGMD: prior to June 1st, 2018), and was therefore a candidate for classification through an automated scoring system. Utilizing variant allele frequency, disease prevalence and penetrance estimates, and inheritance mode, an automated score was calculated to assess if this variant is too frequent to cause the disease. Based on the score and internal cut-off values, a variant classified as benign is not then subjected to further curation. The score for this variant resulted in a classification of benign for this disease.

PreventionGenetics, part of Exact Sciences
Classification: Likely benign for JAG1-related condition. Last evaluated: 2021-12-16. Review status: no assertion criteria provided. Collection method: clinical testing. Allele origin: germline. Not counted in ClinVar's aggregate classification.
Comment: This variant is classified as likely benign based on ACMG/AMP sequence variant interpretation guidelines (Richards et al. 2015 PMID: 25741868, with internal and published modifications).

NM_000214.3(JAG1):c.*6C>T

Gene: JAG1 (jagged canonical Notch ligand 1; minus strand). Cytogenetic location: 20p12.2.
Variant type: single nucleotide variant.
Coding change: c.*6C>T on transcript NM_000214.3 (MANE Select); 6 bases downstream of the stop codon, C replaced by T.
Molecular consequence: 3 prime UTR variant.
Genome position (GRCh38, 1-based): chr20:10,639,492, G>A on the plus strand (C>T on the coding strand, the complement: JAG1 is on the minus strand). VCF-style: chr20-10639492-G-A. GRCh37 (hg19) VCF-style: chr20-10620140-G-A.
Other names: c.*6C>T (LRG_1191t1).
Identifiers: ClinVar variation 337742 (VCV000337742.9), dbSNP rs376881523, ClinGen allele CA9764164.